The following is an entry in ClinVar:

ClinVar aggregate classification (germline): Uncertain significance (1 of 4 stars; one submission).

Allele frequency attached by ClinVar (database versions not stated): ExAC 0.00001; gnomAD 0.00001; gnomAD exomes 0.00001; TOPMed 0.00001.
gnomAD v4.1: 18 of 1,607,144 alleles (0.0011%); highest among the groups gnomAD compares: South Asian, 0.0033%; no homozygotes.

Submission:

Labcorp Genetics (formerly Invitae), Labcorp
Classification: Uncertain significance. Last evaluated: 2022-08-06. Review status: criteria provided, single submitter. Criteria: Invitae Variant Classification Sherloc (09022015). Collection method: clinical testing. Allele origin: germline.
Comment: This sequence change replaces glycine, which is neutral and non-polar, with serine, which is neutral and polar, at codon 1162 of the CARMIL2 protein (p.Gly1162Ser). This variant is present in population databases (rs748719934, gnomAD 0.003%). This variant has not been reported in the literature in individuals affected with CARMIL2-related conditions. Algorithms developed to predict the effect of missense changes on protein structure and function (SIFT, PolyPhen-2, Align-GVGD) all suggest that this variant is likely to be tolerated. In summary, the available evidence is currently insufficient to determine the role of this variant in disease. Therefore, it has been classified as a Variant of Uncertain Significance.

NM_001013838.3(CARMIL2):c.3484G>A (p.Gly1162Ser)

Gene: CARMIL2 (capping protein regulator and myosin 1 linker 2; plus strand). Cytogenetic location: 16q22.1.
Variant type: single nucleotide variant.
Coding change: c.3484G>A on transcript NM_001013838.3 (MANE Select); coding-DNA position 3484, G replaced by A.
Protein change: p.Gly1162Ser; replaces glycine 1162 with serine.
Molecular consequence: missense variant.
Genome position (GRCh38, 1-based): chr16:67,654,594, G>A. VCF-style: chr16-67654594-G-A. GRCh37 (hg19) VCF-style: chr16-67688497-G-A.
Other names: c.3376G>A, p.Gly1126Ser (NM_001317026.3); short protein forms G1126S, G1162S.
Identifiers: ClinVar variation 1936986 (VCV001936986.2), dbSNP rs748719934, ClinGen allele CA8114022.